The following is an entry in ClinVar:

NM_007194.4(CHEK2):c.1312del (p.Asp438fs)

Gene: CHEK2 (checkpoint kinase 2; minus strand). Cytogenetic location: 22q12.1.
Variant type: Deletion.
Coding change: c.1312del on transcript NM_007194.4 (MANE Select); coding-DNA position 1312, one base deleted (G; older notation c.1312delG).
Protein change: p.Asp438fs; shifts the reading frame from aspartic acid 438.
Molecular consequence: frameshift variant.
Genome position (GRCh38, 1-based): chr22:28,695,190, C deleted on the plus strand (G on the coding strand, the reverse complement: CHEK2 is on the minus strand); the first of 2 consecutive C bases (chr22:28,695,190-28,695,191); deleting either gives the same sequence. VCF-style (leftmost placement, unchanged base first): chr22-28695189-TC-T. GRCh37 (hg19) VCF-style: chr22-29091177-TC-T.
Other names: c.1441del, p.Asp481fs (NM_001005735.3); c.649del, p.Asp217fs (NM_001257387.3, NM_001437942.1); c.1111del, p.Asp371fs (NM_001349956.3); c.1405del, p.Asp469fs (NM_001438293.1); c.1354del, p.Asp452fs (NM_001438294.1); c.1318del, p.Asp440fs (NM_001438295.1); c.1225del, p.Asp409fs (NM_145862.3); short protein forms D217fs, D371fs, D409fs, D438fs, D440fs, D452fs, D469fs, D481fs.
Identifiers: ClinVar variation 4294199 (VCV004294199.1).

ClinVar aggregate classification (germline): Pathogenic (1 of 4 stars; one submission).

Conditions:
Familial cancer of breast. Also called: hereditary breast carcinoma; BREAST CANCER, FAMILIAL; Hereditary breast cancer. Identifiers: Orphanet 227535, MedGen C0346153, MONDO:0016419, OMIM 114480. Disease mechanism: loss of function.

Submission:

Myriad Genetics, Inc.
Classification: Pathogenic for Familial cancer of breast. Last evaluated: 2025-09-19. Review status: criteria provided, single submitter. Criteria: Myriad Autosomal Dominant, Autosomal Recessive and X-Linked Classification Criteria (2023). Collection method: clinical testing. Allele origin: unknown.
Comment: This variant is considered pathogenic. This variant creates a frameshift predicted to result in premature protein truncation.